The following is an entry in ClinVar:

NM_003742.4(ABCB11):c.3329C>A (p.Ala1110Glu)

Gene: ABCB11 (ATP binding cassette subfamily B member 11; minus strand). Cytogenetic location: 2q31.1.
Variant type: single nucleotide variant.
Coding change: c.3329C>A on transcript NM_003742.4 (MANE Select); coding-DNA position 3329, C replaced by A.
Protein change: p.Ala1110Glu; replaces alanine 1110 with glutamic acid.
Molecular consequence: missense variant.
Genome position (GRCh38, 1-based): chr2:168,930,747, G>T on the plus strand (C>A on the coding strand, the complement: ABCB11 is on the minus strand). VCF-style: chr2-168930747-G-T. GRCh37 (hg19) VCF-style: chr2-169787257-G-T.
Other names: short protein forms A1110E.
Identifiers: ClinVar variation 3366501 (VCV003366501.3).

ClinVar aggregate classification (germline): Conflicting classifications of pathogenicity. Review status: criteria provided, conflicting classifications (1 of 4 stars). 3 submissions from 3 submitters: Likely pathogenic (1); Uncertain significance (2). Last evaluated 2026-04-14.

Conditions:
Familial intrahepatic cholestasis. Identifiers: Orphanet 284385, MedGen CN296401, MONDO:0017290.
Progressive familial intrahepatic cholestasis type 2. Identifiers: Orphanet 79304, MedGen C3489789, MONDO:0011156, OMIM 601847.
Progressive familial intrahepatic cholestasis (PFIC). Also called: Progressive family intrahepatic cholestasis; Progressive intrahepatic cholestasis. Identifiers: Orphanet 172, MedGen C0268312, MONDO:0015762.

gnomAD v4.1: 3 of 1,610,296 alleles (0.00019%); highest among the groups gnomAD compares: Non-Finnish European, 0.00025%; no homozygotes.

Submissions (3):

Genomenon, Inc
Classification: Uncertain significance for Familial intrahepatic cholestasis. Last evaluated: 2026-04-14. Review status: criteria provided, single submitter. Criteria: Genomenon Sequence Variant Interpretation Standards - Updated. Collection method: curation. Allele origin: germline. Affected: yes.
Comment: ABCB11 p.Ala1110Glu (c.3329C>A) is a missense variant that changes the amino acid at residue 1110 from Alanine to Glutamic acid. This variant has been observed in at least one proband with an ABCB11-related disorder (PMID:18395098). The variant was found to segregate with disease in at least one affected family (PMID:18395098). Functional and splicing studies have been reported (PMID:19101985). It is absent or not present at a significant frequency in gnomAD. In silico models predict that this variant is possibly or probably damaging. In conclusion, we classify ABCB11 p.Ala1110Glu (c.3329C>A) as a variant of uncertain significance.

Broad Center for Mendelian Genomics, Broad Institute of MIT and Harvard
Classification: Uncertain significance for Progressive familial intrahepatic cholestasis type 2. Last evaluated: 2025-01-23. Review status: criteria provided, single submitter. Criteria: ACMG Guidelines, 2015. Collection method: curation. Allele origin: germline. Inheritance: Autosomal recessive inheritance.
Comment: The p.Ala1110Glu variant in ABCB11 has been reported in two individuals with BSEP deficiency (PMID: 18395098), and has been identified in 0.0003% (3/1109426) of European (non-Finnish) chromosomes by the Genome Aggregation Database (gnomAD; dbSNP rs373956718). Although this variant has been seen in the general population in a heterozygous state, its frequency is low enough to be consistent with a recessive carrier frequency. Of the 2 affected individuals, one was a compound heterozygote that carried a reported pathogenic variant with unknown phase, which increases the likelihood that the p.Ala1110Glu variant is pathogenic (Variation ID: 6590; PMID: 18395098). Computational prediction tools and conservation analyses suggest that this variant may impact the protein, though this information is not predictive enough to determine pathogenicity. In summary, while there is some suspicion for a pathogenic role, the clinical significance of this variant is uncertain. ACMG/AMP Criteria applied: PP3_moderate, PM3_supporting, PM2_supporting (Richards 2015).

Women's Health and Genetics/Laboratory Corporation of America, LabCorp
Classification: Likely pathogenic for Progressive familial intrahepatic cholestasis. Last evaluated: 2024-08-05. Review status: criteria provided, single submitter. Criteria: LabCorp Variant Classification Summary - May 2015. Collection method: clinical testing. Allele origin: germline.
Comment: Variant summary: ABCB11 c.3329C>A (p.Ala1110Glu) results in a non-conservative amino acid change located in the ABC transporter-like, ATP-binding domain (IPR003439) of the encoded protein sequence. Five of five in-silico tools predict a damaging effect of the variant on protein function. At least one publication reports experimental evidence that this variant affects mRNA splicing in mini-gene splicing assay (Byrne_2009). The variant allele was found at a frequency of 4e-06 in 247986 control chromosomes. c.3329C>A has been reported in the literature in compound heterozygous individuals affected with Familial Intrahepatic Cholestasis (Strautnieks_2008). These data indicate that the variant may be associated with disease. The following publications have been ascertained in the context of this evaluation (PMID: 19101985, 18395098). No submitters have cited clinical-significance assessments for this variant to ClinVar. Based on the evidence outlined above, the variant was classified as likely pathogenic.

Literature cited by the submitters: PubMed 18395098 (cited by Genomenon, Inc and Women's Health and Genetics/Laboratory Corporation of America, LabCorp); PubMed 19101985 (cited by Genomenon, Inc and Women's Health and Genetics/Laboratory Corporation of America, LabCorp).